The following is an entry in ClinVar:

NC_000012.11:g.(?_80239062)_(80328711_?)del

Gene: PPP1R12A (protein phosphatase 1 regulatory subunit 12A; minus strand). Cytogenetic location: 12q21.2-21.31.
Variant type: Deletion.
Identifiers: ClinVar variation 2424024 (VCV002424024.3).

ClinVar aggregate classification (germline): Pathogenic (1 of 4 stars; one submission).

Submission:

Labcorp Genetics (formerly Invitae), Labcorp
Classification: Pathogenic. Last evaluated: 2022-05-27. Review status: criteria provided, single submitter. Criteria: Invitae Variant Classification Sherloc (09022015). Collection method: clinical testing. Allele origin: germline.
Comment: For these reasons, this variant has been classified as Pathogenic. This variant has not been reported in the literature in individuals affected with PPP1R12A-related conditions. This variant is a gross deletion of the genomic region encompassing exon(s) 2-4 of the PPP1R12A gene, which includes the initiator codon. This deletion extends beyond the assayed region for this gene and therefore may encompass additional genes. It is expected to result in an absent or disrupted protein product. Loss-of-function variants in PPP1R12A are known to be pathogenic (PMID: 31883643).

Literature cited by the submitters: PubMed 31883643.